The following is an entry in ClinVar:

NM_000038.6(APC):c.4364A>G (p.Asn1455Ser)

Gene: APC (APC regulator of Wnt signaling pathway; plus strand). Cytogenetic location: 5q22.2.
Variant type: single nucleotide variant.
Coding change: c.4364A>G on transcript NM_000038.6 (MANE Select); coding-DNA position 4364, A replaced by G.
Protein change: p.Asn1455Ser; replaces asparagine 1455 with serine.
Molecular consequence: missense variant.
Genome position (GRCh38, 1-based): chr5:112,839,958, A>G. VCF-style: chr5-112839958-A-G. GRCh37 (hg19) VCF-style: chr5-112175655-A-G.
Other names: c.4364A>G, p.Asn1455Ser (NM_001127510.3, NM_001354895.2); c.4310A>G, p.Asn1437Ser (NM_001127511.3); c.4418A>G, p.Asn1473Ser (NM_001354896.2); c.4394A>G, p.Asn1465Ser (NM_001354897.2); c.4289A>G, p.Asn1430Ser (NM_001354898.2); c.4280A>G, p.Asn1427Ser (NM_001354899.2); c.4241A>G, p.Asn1414Ser (NM_001354900.2); c.4187A>G, p.Asn1396Ser (NM_001354901.2); and 5 more; short protein forms N1455S, N1437S, N1172S, N1329S, N1396S, N1354S, N1364S, N1465S.
Identifiers: ClinVar variation 482263 (VCV000482263.28), dbSNP rs751262428, ClinGen allele CA038806.

ClinVar aggregate classification (germline): Conflicting classifications of pathogenicity. Review status: criteria provided, conflicting classifications (1 of 4 stars). 5 submissions from 5 submitters: Uncertain significance (4); Likely benign (1). Last evaluated 2026-09-11.

Conditions:
Familial adenomatous polyposis 1 (FAP1). Also called: POLYPOSIS, ADENOMATOUS INTESTINAL; FAMILIAL ADENOMATOUS POLYPOSIS 1, ATTENUATED. Identifiers: MedGen C2713442, MONDO:0021056, OMIM 175100. Disease mechanism: loss of function.
Classic or attenuated familial adenomatous polyposis. Identifiers: MedGen CN372698, MONDO:0021057.
Hereditary cancer-predisposing syndrome. Also called: Neoplastic Syndromes, Hereditary; Hereditary neoplastic syndrome; Hereditary Cancer Syndrome; Tumor predisposition. Identifiers: Orphanet 140162, MedGen C0027672, MeSH D009386, MONDO:0015356.

Allele frequency attached by ClinVar (database versions not stated): TOPMed below 0.00001; gnomAD exomes 0.00001 and 0.00002; ExAC 0.00002.
gnomAD v4.1: 9 of 1,614,148 alleles (0.00056%); highest among the groups gnomAD compares: Non-Finnish European, 0.00076%; no homozygotes.

Submissions (5):

Ambry Genetics
Classification: Likely benign for Hereditary cancer-predisposing syndrome. Last evaluated: 2026-09-11. Review status: criteria provided, single submitter. Criteria: Ambry Variant Classification Scheme 2023. Collection method: clinical testing. Allele origin: germline.

Labcorp Genetics (formerly Invitae), Labcorp
Classification: Uncertain significance for Familial adenomatous polyposis 1. Last evaluated: 2026-01-10. Review status: criteria provided, single submitter. Criteria: Invitae Variant Classification Sherloc (09022015). Collection method: clinical testing. Allele origin: germline.
Comment: This sequence change replaces asparagine, which is neutral and polar, with serine, which is neutral and polar, at codon 1455 of the APC protein (p.Asn1455Ser). This variant is present in population databases (rs751262428, gnomAD 0.002%). This missense change has been observed in individual(s) with Lynch syndrome-associated cancers (PMID: 25980754). ClinVar contains an entry for this variant (Variation ID: 482263). Invitae Evidence Modeling of protein sequence and biophysical properties (such as structural, functional, and spatial information, amino acid conservation, physicochemical variation, residue mobility, and thermodynamic stability) indicates that this missense variant is not expected to disrupt APC protein function with a negative predictive value of 95%. RNA analysis performed to evaluate the impact of this missense change on mRNA splicing indicates it does not significantly alter splicing (internal data). In summary, the available evidence is currently insufficient to determine the role of this variant in disease. Therefore, it has been classified as a Variant of Uncertain Significance.

Color Diagnostics, LLC DBA Color Health
Classification: Uncertain significance for Hereditary cancer-predisposing syndrome. Last evaluated: 2025-04-28. Review status: criteria provided, single submitter. Criteria: ACMG Guidelines, 2015. Collection method: clinical testing. Allele origin: germline.
Comment: This missense variant replaces asparagine with serine at codon 1455 of the APC protein. Computational prediction suggests that this variant may not impact protein structure and function. To our knowledge, functional studies have not been reported for this variant. This variant has not been reported in individuals affected with APC-related disorders in the literature. This variant has been identified in 3/251232 chromosomes in the general population by the Genome Aggregation Database (gnomAD). The available evidence is insufficient to determine the role of this variant in disease conclusively. Therefore, this variant is classified as a Variant of Uncertain Significance.

Center for Genomic Medicine, Rigshospitalet, Copenhagen University Hospital
Classification: Uncertain significance. Last evaluated: 2025-03-04. Review status: criteria provided, single submitter. Criteria: ACMG Guidelines, 2015. Collection method: clinical testing. Allele origin: germline.

All of Us Research Program, National Institutes of Health
Classification: Uncertain significance for Classic or attenuated familial adenomatous polyposis. Last evaluated: 2024-04-25. Review status: criteria provided, single submitter. Criteria: ACMG Guidelines, 2015. Collection method: clinical testing. Allele origin: germline. Inheritance: Autosomal dominant inheritance. Observed: 6 variant alleles, 6 heterozygotes.
Comment: This missense variant replaces asparagine with serine at codon 1455 of the APC protein. Computational prediction suggests that this variant may not impact protein structure and function (internally defined REVEL score threshold <= 0.5, PMID: 27666373). To our knowledge, functional studies have not been reported for this variant. This variant has not been reported in individuals affected with APC-related disorders in the literature. This variant has been identified in 3/251232 chromosomes in the general population by the Genome Aggregation Database (gnomAD). The available evidence is insufficient to determine the role of this variant in disease conclusively. Therefore, this variant is classified as a Variant of Uncertain Significance.

This study involves interpretation of variants in research participants for the purpose of population health screening. Participant phenotype was not available at the time of variant classification. Additional details can be found in publication PMID: 35346344, PMCID: PMC8962531

Literature cited by the submitters: PubMed 25980754 (cited by Labcorp Genetics (formerly Invitae), Labcorp).